The following is an entry in ClinVar:

ClinVar aggregate classification (germline): Uncertain significance (1 of 4 stars; one submission).

Conditions:
LHCGR-related disorder. Also called: LHCGR-related condition.

gnomAD v4.1: 1 of 1,614,012 alleles (0.000062%); highest among the groups gnomAD compares: Non-Finnish European, 0.000085%; no homozygotes.

Submission:

PreventionGenetics, part of Exact Sciences
Classification: Uncertain significance for LHCGR-related condition. Last evaluated: 2025-06-20. Review status: criteria provided, single submitter. Criteria: ACMG Guidelines, 2015. Collection method: clinical testing. Allele origin: germline.
Comment: The LHCGR c.1859C>T variant is predicted to result in the amino acid substitution p.Pro620Leu. To our knowledge, this variant has not been reported in the literature or in a large population database (gnomAD), indicating this variant is rare. At this time, the clinical significance of this variant is uncertain due to the absence of conclusive functional and genetic evidence.

NM_000233.4(LHCGR):c.1859C>T (p.Pro620Leu)

Genes: LHCGR (luteinizing hormone/choriogonadotropin receptor; minus strand), STON1-GTF2A1L (STON1-GTF2A1L readthrough; plus strand). Cytogenetic location: 2p16.3.
Variant type: single nucleotide variant.
Coding change: c.1859C>T on transcript NM_000233.4 (MANE Select); coding-DNA position 1859, C replaced by T.
Protein change: p.Pro620Leu; replaces proline 620 with leucine.
Molecular consequence: missense variant. On other transcripts: intron variant (1).
Genome position (GRCh38, 1-based): chr2:48,687,938, G>A on the plus strand (C>T on the coding strand, the complement: LHCGR is on the minus strand). VCF-style: chr2-48687938-G-A. GRCh37 (hg19) VCF-style: chr2-48915077-G-A.
Other names: c.3441+16258G>A (NM_001198593.2); short protein forms P620L.
Identifiers: ClinVar variation 4999401 (VCV004999401.1).